The following is an entry in ClinVar:

ClinVar aggregate classification (germline): Pathogenic (1 of 4 stars; one submission).

Conditions:
Niemann-Pick disease, type C1. Also called: NEUROVISCERAL STORAGE DISEASE WITH VERTICAL SUPRANUCLEAR OPHTHALMOPLEGIA; NIEMANN-PICK DISEASE WITH CHOLESTEROL ESTERIFICATION BLOCK; NIEMANN-PICK DISEASE WITHOUT SPHINGOMYELINASE DEFICIENCY; NIEMANN-PICK DISEASE, CHRONIC NEURONOPATHIC FORM; NIEMANN-PICK DISEASE, VARIANT TYPE C1. Identifiers: Orphanet 646, MedGen C3179455, MONDO:0009757, OMIM 257220.

Submission:

Myriad Genetics, Inc.
Classification: Pathogenic for Niemann-Pick disease, type C1. Last evaluated: 2026-05-15. Review status: criteria provided, single submitter. Criteria: Myriad Autosomal Dominant, Autosomal Recessive and X-Linked Classification Criteria (2023). Collection method: clinical testing. Allele origin: unknown.
Comment: NM_000271.4(NPC1):c.2593dupT(S865Ffs*5) is expected to be pathogenic in the context of Niemann-Pick disease type C1. This variant is predicted to lead to an abnormal or absent protein product due to the creation of a premature termination codon in NPC1, a gene where loss-of-function variants are known to be pathogenic. Please note: this variant was assessed in the context of healthy population screening.

NM_000271.5(NPC1):c.2593dup (p.Ser865fs)

Gene: NPC1 (NPC intracellular cholesterol transporter 1; minus strand). Cytogenetic location: 18q11.2.
Variant type: Duplication.
Coding change: c.2593dup on transcript NM_000271.5 (MANE Select); coding-DNA position 2593, one base duplicated (T; older notation c.2593dupT).
Protein change: p.Ser865fs; shifts the reading frame from serine 865.
Molecular consequence: frameshift variant.
Genome position (GRCh38, 1-based): chr18:23,540,459, A duplicated on the plus strand (T on the coding strand, the reverse complement: NPC1 is on the minus strand); the first of 3 consecutive A bases (chr18:23,540,459-23,540,461); duplicating any one gives the same sequence. VCF-style (leftmost placement, unchanged base first): chr18-23540458-G-GA. GRCh37 (hg19) VCF-style: chr18-21120422-G-GA.
Other names: short protein forms S865fs.
Identifiers: ClinVar variation 5015913 (VCV005015913.1).